The following is an entry in ClinVar:

ClinVar aggregate classification (germline): Benign. Review status: criteria provided, multiple submitters, no conflicts (2 of 4 stars). 3 submissions from 3 submitters: Benign (3). Last evaluated 2026-02-04.

Conditions:
Neonatal encephalomyopathy-cardiomyopathy-respiratory distress syndrome. Also called: Coenzyme Q10 deficiency, primary, 7. Identifiers: Orphanet 457185, MedGen C5568562, MONDO:0014562, OMIM 616276.

Allele frequency attached by ClinVar (database versions not stated): gnomAD exomes 0.19965 and 0.23953; ExAC 0.24500; gnomAD 0.33828 and 0.34637; TOPMed 0.35309; ESP Exome Variant Server 0.35422; 1000 Genomes Project 0.37780; 1000 Genomes Project 30x 0.38507.
gnomAD v4.1: 342,014 of 1,598,934 alleles (21%); highest among the groups gnomAD compares: African/African-American, 70%; 47,636 homozygotes.

Submissions (3):

Labcorp Genetics (formerly Invitae), Labcorp
Classification: Benign for Neonatal encephalomyopathy-cardiomyopathy-respiratory distress syndrome. Last evaluated: 2026-02-04. Review status: criteria provided, single submitter. Criteria: Invitae Variant Classification Sherloc (09022015). Collection method: clinical testing. Allele origin: germline.

GeneDx
Classification: Benign. Last evaluated: 2015-12-04. Review status: criteria provided, single submitter. Criteria: GeneDx Variant Classification (06012015). Collection method: clinical testing. Allele origin: germline. Affected: yes.
Comment: This variant is considered likely benign or benign based on one or more of the following criteria: it is a conservative change, it occurs at a poorly conserved position in the protein, it is predicted to be benign by multiple in silico algorithms, and/or has population frequency not consistent with disease.

Breakthrough Genomics
Classification: Benign. Review status: criteria provided, single submitter. Criteria: ACMG Guidelines, 2015. Collection method: not provided. Allele origin: germline. Inheritance: Autosomal recessive inheritance. Affected: yes.

NM_016035.5(COQ4):c.533-17A>C

Gene: COQ4 (coenzyme Q4; plus strand). Cytogenetic location: 9q34.11.
Variant type: single nucleotide variant.
Coding change: c.533-17A>C on transcript NM_016035.5 (MANE Select); 17 bases into the intron before coding-DNA position 533, A replaced by C.
Molecular consequence: intron variant.
Genome position (GRCh38, 1-based): chr9:128,332,833, A>C. VCF-style: chr9-128332833-A-C. GRCh37 (hg19) VCF-style: chr9-131095112-A-C.
Other names: c.3-641A>C (NM_001305942.2).
Identifiers: ClinVar variation 380011 (VCV000380011.11), dbSNP rs7850697, ClinGen allele CA5260620.